The following is an entry in ClinVar:

NM_000535.7(PMS2):c.718A>C (p.Ile240Leu)

Gene: PMS2 (PMS1 homolog 2, mismatch repair system component; minus strand). Cytogenetic location: 7p22.1.
Variant type: single nucleotide variant.
Coding change: c.718A>C on transcript NM_000535.7 (MANE Select); coding-DNA position 718, A replaced by C.
Protein change: p.Ile240Leu; replaces isoleucine 240 with leucine.
Molecular consequence: missense variant. On other transcripts: 5 prime UTR variant (2), non-coding transcript variant (1), intron variant (3).
Genome position (GRCh38, 1-based): chr7:5,997,411, T>G on the plus strand (A>C on the coding strand, the complement: PMS2 is on the minus strand). VCF-style: chr7-5997411-T-G. GRCh37 (hg19) VCF-style: chr7-6037042-T-G.
Other names: c.409A>C, p.Ile137Leu (NM_001406875.1, NM_001406877.1, NM_001406878.1 and 6 more transcripts); c.400A>C, p.Ile134Leu (NM_001406876.1, NM_001406883.1, NM_001406901.1 and 4 more transcripts); c.550A>C, p.Ile184Leu (NM_001406884.1, NM_001406874.1); c.313A>C, p.Ile105Leu (NM_001406895.1, NM_001406896.1, NM_001406897.1 and 19 more transcripts); c.205A>C, p.Ile69Leu (NM_001406904.1, NM_001406905.1); c.718A>C, p.Ile240Leu (NM_001322006.2, NM_001322014.2, NM_001406870.1 and 3 more transcripts); c.-216A>C (NM_001322011.2, NM_001322012.2); c.145A>C, p.Ile49Leu (NM_001322013.2, NM_001406909.1); and 7 more; short protein forms I105L, I128L, I134L, I137L, I184L, I204L, I240L, I248L.
Identifiers: ClinVar variation 4862133 (VCV004862133.1).

ClinVar aggregate classification (germline): Uncertain significance (1 of 4 stars; one submission).

Conditions:
Hereditary cancer-predisposing syndrome. Also called: Neoplastic Syndromes, Hereditary; Tumor predisposition; Hereditary Cancer Syndrome; Hereditary neoplastic syndrome. Identifiers: Orphanet 140162, MedGen C0027672, MeSH D009386, MONDO:0015356.

Submission:

Ambry Genetics
Classification: Uncertain significance for Hereditary cancer-predisposing syndrome. Last evaluated: 2026-06-08. Review status: criteria provided, single submitter. Criteria: Ambry Variant Classification Scheme 2023. Collection method: clinical testing. Allele origin: germline.
Comment: The p.I240L variant (also known as c.718A>C), located in coding exon 7 of the PMS2 gene, results from an A to C substitution at nucleotide position 718. The isoleucine at codon 240 is replaced by leucine, an amino acid with highly similar properties. This amino acid position is conserved. In addition, this alteration is predicted to be tolerated by in silico analysis. Based on the available evidence, the clinical significance of this variant remains unclear.